The following is an entry in ClinVar:

NM_000243.3(MEFV):c.1793-16C>G

Genes: MEFV (MEFV innate immunity regulator, pyrin; minus strand), LOC126862264 (CDK7 strongly-dependent group 2 enhancer GRCh37_chr16:3293322-3294521; plus strand). Cytogenetic location: 16p13.3.
Variant type: single nucleotide variant.
Coding change: c.1793-16C>G on transcript NM_000243.3 (MANE Select); 16 bases into the intron before coding-DNA position 1793, C replaced by G.
Molecular consequence: intron variant.
Genome position (GRCh38, 1-based): chr16:3,243,710, G>C on the plus strand (C>G on the coding strand, the complement: MEFV is on the minus strand). VCF-style: chr16-3243710-G-C. GRCh37 (hg19) VCF-style: chr16-3293710-G-C.
Other names: c.1335-16C>G (NM_001198536.2).
Identifiers: ClinVar variation 245713 (VCV000245713.4), dbSNP rs747964292, ClinGen allele CA7859914.

ClinVar aggregate classification (germline): Likely benign. Review status: criteria provided, multiple submitters, no conflicts (2 of 4 stars). 2 submissions from 2 submitters: Likely benign (2). Last evaluated 2025-06-19.

Conditions:
Familial Mediterranean fever (FMF). Also called: POLYSEROSITIS, FAMILIAL PAROXYSMAL; POLYSEROSITIS, RECURRENT; Periodic peritonitis; Benign paroxysmal peritonitis. Identifiers: Orphanet 342, MedGen C0031069, MONDO:0018088, OMIM 249100. Disease mechanism: gain of function.

Allele frequency attached by ClinVar (database versions not stated): gnomAD exomes 0.00001; TOPMed 0.00008; ExAC 0.00002; gnomAD 0.00005 and 0.00006.
gnomAD v4.1: 30 of 1,610,576 alleles (0.0019%); highest among the groups gnomAD compares: African/African-American, 0.032%; no homozygotes.

Submissions (2):

Labcorp Genetics (formerly Invitae), Labcorp
Classification: Likely benign for Familial Mediterranean fever. Last evaluated: 2025-06-19. Review status: criteria provided, single submitter. Criteria: Invitae Variant Classification Sherloc (09022015). Collection method: clinical testing. Allele origin: germline.

GeneDx
Classification: Likely benign. Last evaluated: 2015-04-15. Review status: criteria provided, single submitter. Criteria: GeneDx Variant Classification (06012015). Collection method: clinical testing. Allele origin: germline. Affected: yes.
Comment: This variant is considered likely benign or benign based on one or more of the following criteria: it is a conservative change, it occurs at a poorly conserved position in the protein, it is predicted to be benign by multiple in silico algorithms, and/or has population frequency not consistent with disease.